The following is an entry in ClinVar:

NC_000001.10:g.(?_197446965)_(197449864_?)del

Gene: CRB1 (crumbs cell polarity complex component 1; plus strand). Cytogenetic location: 1q31.3.
Variant type: Deletion.
Identifiers: ClinVar variation 1349270 (VCV001349270.6).

ClinVar aggregate classification (germline): Likely pathogenic (1 of 4 stars; one submission).

Conditions:
Leber congenital amaurosis 8 (LCA8). Identifiers: Orphanet 65, MedGen C3151202, MONDO:0013453, OMIM 613835.
Retinitis pigmentosa 12 (RP12). Also called: RP WITH OR WITHOUT PPRPE; RP WITH OR WITHOUT PRESERVED PARAARTERIOLE RETINAL PIGMENT EPITHELIUM; RETINITIS PIGMENTOSA WITH OR WITHOUT PARAARTERIOLAR PRESERVATION OF RETINAL PIGMENT EPITHELIUM. Identifiers: Orphanet 791, MedGen C1838647, MONDO:0010818, OMIM 600105.

Submission:

Labcorp Genetics (formerly Invitae), Labcorp
Classification: Likely pathogenic for Leber congenital amaurosis 8; Retinitis pigmentosa 12. Last evaluated: 2021-02-06. Review status: criteria provided, single submitter. Criteria: Invitae Variant Classification Sherloc (09022015). Collection method: clinical testing. Allele origin: germline.
Comment: In summary, the currently available evidence indicates that the variant is pathogenic, but additional data are needed to prove that conclusively. Therefore, this variant has been classified as Likely Pathogenic. This variant disrupts the p.Glu1403 amino acid residue in CRB1. Other variant(s) that disrupt this residue have been determined to be pathogenic (PMID: 24715753). This suggests that this residue is clinically significant, and that variants that disrupt this residue are likely to be disease-causing. This variant has not been reported in the literature in individuals with CRB1-related conditions. This variant results in the deletion of part of exon 12 (c.4180_*2858del) of the CRB1 gene. While this deletion is not anticipated to lead to nonsense mediated decay, it is expected to alter mRNA translation or result in a truncated protein product.

Literature cited by the submitters: PubMed 24715753.